The following is an entry in ClinVar:

NM_001164508.2(NEB):c.9225C>G (p.Tyr3075Ter)

Gene: NEB (nebulin; minus strand). Cytogenetic location: 2q23.3.
Variant type: single nucleotide variant.
Coding change: c.9225C>G on transcript NM_001164508.2 (MANE Select); coding-DNA position 9225, C replaced by G.
Protein change: p.Tyr3075Ter; replaces tyrosine 3075 with a stop codon.
Molecular consequence: nonsense. On other transcripts: intron variant (1).
Genome position (GRCh38, 1-based): chr2:151,633,843, G>C on the plus strand (C>G on the coding strand, the complement: NEB is on the minus strand). VCF-style: chr2-151633843-G-C. GRCh37 (hg19) VCF-style: chr2-152490357-G-C.
Other names: c.9225C>G, p.Tyr3075Ter (NM_001164507.2, NM_001271208.2); c.8854-2665C>G (NM_004543.5); short protein forms Y3075*.
Identifiers: ClinVar variation 2074503 (VCV002074503.4), dbSNP rs2552239864, ClinGen allele CA348803782.

ClinVar aggregate classification (germline): Pathogenic (1 of 4 stars; one submission).

Conditions:
Nemaline myopathy 2 (NEM2). Also called: Nemaline myopathy 2, autosomal recessive. Identifiers: MedGen C1850569, MONDO:0009725, OMIM 256030.

Submission:

Labcorp Genetics (formerly Invitae), Labcorp
Classification: Pathogenic for Nemaline myopathy 2. Last evaluated: 2022-01-07. Review status: criteria provided, single submitter. Criteria: Invitae Variant Classification Sherloc (09022015). Collection method: clinical testing. Allele origin: germline.
Comment: This variant is not present in population databases (gnomAD no frequency). This sequence change creates a premature translational stop signal (p.Tyr3075*) in the NEB gene. It is expected to result in an absent or disrupted protein product. Loss-of-function variants in NEB are known to be pathogenic (PMID: 25205138). This variant has not been reported in the literature in individuals affected with NEB-related conditions. For these reasons, this variant has been classified as Pathogenic.

Literature cited by the submitters: PubMed 25205138.